The following is an entry in ClinVar:

NM_017721.5(CC2D1A):c.2346dup (p.Arg783fs)

Gene: CC2D1A (coiled-coil and C2 domain containing 1A; plus strand). Cytogenetic location: 19p13.12.
Variant type: Duplication.
Coding change: c.2346dup on transcript NM_017721.5 (MANE Select); coding-DNA position 2346, one base duplicated (G; older notation c.2346dupG).
Protein change: p.Arg783fs; shifts the reading frame from arginine 783.
Molecular consequence: frameshift variant.
Genome position (GRCh38, 1-based): chr19:13,927,922, G duplicated; the last of 6 consecutive G bases (chr19:13,927,917-13,927,922); duplicating any one gives the same sequence. VCF-style (leftmost placement, unchanged base first): chr19-13927916-A-AG. GRCh37 (hg19) VCF-style: chr19-14038729-A-AG.
Other names: c.2346dup, p.Arg783fs (NM_001411138.1); short protein forms R783fs.
Identifiers: ClinVar variation 4880651 (VCV004880651.2).
Genomic context (GRCh38, chr19:13,927,916, plus strand): 5'-TGCTTCCCACCAACAGTTTCTCCTTACCCCCACCCAGGTCCTGGATGGTCGCCGGCCCAC[A>AG]GGGGGGCGACTGGAGGTAATGGTCCGGATTCGGGAGCCACTGACAGCCCAGCAGTTGGAG-3'

ClinVar aggregate classification (germline): Likely pathogenic (1 of 4 stars; one submission).

Submission:

Dasa
Classification: Likely pathogenic. Last evaluated: 2025-05-09. Review status: criteria provided, single submitter. Criteria: DASA Assertion Criteria. Collection method: clinical testing. Allele origin: germline.
Comment: NM_017721.5(CC2D1A):c.2346dup (p.Arg783Alafs*28) is a frameshift variant in CC2D1A predicted to alter the reading frame and introduce a premature termination codon and is predicted to result in an absent or altered protein product. Loss of function is an established disease mechanism for CC2D1A-associated disorders. Also, this variant is rare in population databases. Based on the currently available evidence, this variant is classified as likely pathogenic.